The following is an entry in ClinVar:

ClinVar aggregate classification (germline): Pathogenic (1 of 4 stars; one submission).

Conditions:
Hereditary cancer-predisposing syndrome. Also called: Neoplastic Syndromes, Hereditary; Hereditary Cancer Syndrome; Hereditary neoplastic syndrome; Tumor predisposition. Identifiers: Orphanet 140162, MedGen C0027672, MeSH D009386, MONDO:0015356.

Submission:

Ambry Genetics
Classification: Pathogenic for Hereditary cancer-predisposing syndrome. Last evaluated: 2016-01-19. Review status: criteria provided, single submitter. Criteria: Ambry Variant Classification Scheme 2023. Collection method: clinical testing. Allele origin: germline.
Comment: The c.7833_7843delTCCAAAGCTTAinsG pathogenic mutation, located in coding exon 16 of the BRCA2 gene, results from the deletion of 11 nucleotides and insertion of one nucleotide at positions 7833 to 7843, causing a translational frameshift with a predicted alternate stop codon. Since frameshifts are typically deleterious in nature, this alteration is interpreted as a disease-causing mutation (ACMG Recommendations for Standards for Interpretation and Reporting of Sequence Variations. Revision 2007. Genet Med. 2008;10:294).

NM_000059.4(BRCA2):c.7833_7843delinsG (p.Asp2611fs)

Gene: BRCA2 (BRCA2 DNA repair associated; plus strand). Cytogenetic location: 13q13.1.
Variant type: Indel.
Coding change: c.7833_7843delinsG on transcript NM_000059.4 (MANE Select); coding-DNA positions 7833 to 7843, TCCAAAGCTTA replaced by G.
Protein change: p.Asp2611fs; shifts the reading frame from aspartic acid 2611.
Molecular consequence: frameshift variant.
Genome position (GRCh38, 1-based): chr13:32,362,550-32,362,560, TCCAAAGCTTA replaced by G. VCF-style: chr13-32362550-TCCAAAGCTTA-G. GRCh37 (hg19) VCF-style: chr13-32936687-TCCAAAGCTTA-G.
Other names: c.7833_7843delTCCAAAGCTTAinsG (NM_000059.3); short protein forms D2611fs.
Identifiers: ClinVar variation 479295 (VCV000479295.5), dbSNP rs1555286828, ClinGen allele CA658656477.
Genomic context (GRCh38, chr13:32,362,550, plus strand): 5'-TTTTATGATAATATTCTACTTTTATTTGTTCAGGGCTCTGTGTGACACTCCAGGTGTGGA[TCCAAAGCTTA>G]TTTCTAGAATTTGGGTTTATAATCACTATAGATGGATCATATGGAAACTGGCAGCTATGG-3'